The following is an entry in ClinVar:

NM_017636.4(TRPM4):c.1320C>A (p.Phe440Leu)

Gene: TRPM4 (transient receptor potential cation channel subfamily M member 4; plus strand). Cytogenetic location: 19q13.33.
Variant type: single nucleotide variant.
Coding change: c.1320C>A on transcript NM_017636.4 (MANE Select); coding-DNA position 1320, C replaced by A.
Protein change: p.Phe440Leu; replaces phenylalanine 440 with leucine.
Molecular consequence: missense variant. On other transcripts: 5 prime UTR variant (1).
Genome position (GRCh38, 1-based): chr19:49,182,634, C>A. VCF-style: chr19-49182634-C-A. GRCh37 (hg19) VCF-style: chr19-49685891-C-A.
Other names: c.1320C>A, p.Phe440Leu (NM_001195227.2); c.975C>A, p.Phe325Leu (NM_001321281.2); c.-234C>A (NM_001321282.2); c.798C>A, p.Phe266Leu (NM_001321283.2); c.258C>A, p.Phe86Leu (NM_001321285.2); short protein forms F325L, F86L, F266L, F440L.
Identifiers: ClinVar variation 3462148 (VCV003462148.3).

ClinVar aggregate classification (germline): Uncertain significance. Review status: criteria provided, multiple submitters, no conflicts (2 of 4 stars). 2 submissions from 2 submitters: Uncertain significance (2). Last evaluated 2025-01-26.

Conditions:
Progressive familial heart block type IB (PFHB1B). Identifiers: Orphanet 871, MedGen C1970298, MONDO:0011474, OMIM 604559.
Cardiovascular phenotype. Identifiers: MedGen CN230736.

Submissions (2):

Labcorp Genetics (formerly Invitae), Labcorp
Classification: Uncertain significance for Progressive familial heart block type IB. Last evaluated: 2025-01-26. Review status: criteria provided, single submitter. Criteria: Invitae Variant Classification Sherloc (09022015). Collection method: clinical testing. Allele origin: germline.
Comment: This sequence change replaces phenylalanine, which is neutral and non-polar, with leucine, which is neutral and non-polar, at codon 440 of the TRPM4 protein (p.Phe440Leu). This variant is not present in population databases (gnomAD no frequency). This variant has not been reported in the literature in individuals affected with TRPM4-related conditions. ClinVar contains an entry for this variant (Variation ID: 3462148). An algorithm developed to predict the effect of missense changes on protein structure and function (PolyPhen-2) suggests that this variant is likely to be tolerated. In summary, the available evidence is currently insufficient to determine the role of this variant in disease. Therefore, it has been classified as a Variant of Uncertain Significance.

Ambry Genetics
Classification: Uncertain significance for Cardiovascular phenotype. Last evaluated: 2024-09-22. Review status: criteria provided, single submitter. Criteria: Ambry Variant Classification Scheme 2023. Collection method: clinical testing. Allele origin: germline.
Comment: The p.F440L variant (also known as c.1320C>A), located in coding exon 11 of the TRPM4 gene, results from a C to A substitution at nucleotide position 1320. The phenylalanine at codon 440 is replaced by leucine, an amino acid with highly similar properties. This amino acid position is conserved. In addition, this alteration is predicted to be tolerated by in silico analysis. Based on the available evidence, the clinical significance of this variant remains unclear.